The following is an entry in ClinVar:

ClinVar aggregate classification (germline): Uncertain significance (1 of 4 stars; one submission).

Conditions:
Inborn genetic diseases. Identifiers: MedGen C0950123, MeSH D030342.

Submission:

Ambry Genetics
Classification: Uncertain significance for Inborn genetic diseases. Last evaluated: 2026-01-03. Review status: criteria provided, single submitter. Criteria: Ambry Variant Classification Scheme 2023. Collection method: clinical testing. Allele origin: germline.
Comment: The p.I1074V variant (also known as c.3220A>G), located in coding exon 14 of the FANCM gene, results from an A to G substitution at nucleotide position 3220. The isoleucine at codon 1074 is replaced by valine, an amino acid with highly similar properties. This amino acid position is conserved. In addition, this alteration is predicted to be tolerated by in silico analysis. Based on the available evidence, the clinical significance of this variant remains unclear.

NM_020937.4(FANCM):c.3220A>G (p.Ile1074Val)

Gene: FANCM (FA complementation group M; plus strand). Cytogenetic location: 14q21.2.
Variant type: single nucleotide variant.
Coding change: c.3220A>G on transcript NM_020937.4 (MANE Select); coding-DNA position 3220, A replaced by G.
Protein change: p.Ile1074Val; replaces isoleucine 1074 with valine.
Molecular consequence: missense variant.
Genome position (GRCh38, 1-based): chr14:45,175,974, A>G. VCF-style: chr14-45175974-A-G. GRCh37 (hg19) VCF-style: chr14-45645177-A-G.
Other names: c.3142A>G, p.Ile1048Val (NM_001308133.2); short protein forms I1048V, I1074V.
Identifiers: ClinVar variation 4841758 (VCV004841758.1).